The following is an entry in ClinVar:

NM_001242896.3(DEPDC5):c.3605C>T (p.Pro1202Leu)

Gene: DEPDC5 (DEP domain containing 5, GATOR1 subcomplex subunit; plus strand). Cytogenetic location: 22q12.3.
Variant type: single nucleotide variant.
Coding change: c.3605C>T on transcript NM_001242896.3 (MANE Select); coding-DNA position 3605, C replaced by T.
Protein change: p.Pro1202Leu; replaces proline 1202 with leucine.
Molecular consequence: missense variant. On other transcripts: non-coding transcript variant (4).
Genome position (GRCh38, 1-based): chr22:31,874,314, C>T. VCF-style: chr22-31874314-C-T. GRCh37 (hg19) VCF-style: chr22-32270300-C-T.
Other names: c.3578C>T, p.Pro1193Leu (NM_001136029.4); c.3305C>T, p.Pro1102Leu (NM_001242897.2); c.3539C>T, p.Pro1180Leu (NM_001363852.2, NM_001364320.2); c.3371C>T, p.Pro1124Leu (NM_001363854.2, NM_001364319.2); c.3605C>T, p.Pro1202Leu (NM_001364318.2); c.3521C>T, p.Pro1174Leu (NM_001369901.1, NM_001369902.1); c.3512C>T, p.Pro1171Leu (NM_001369903.1, NM_014662.6); short protein forms P1124L, P1174L, P1171L, P1102L, P1180L, P1193L, P1202L.
Identifiers: ClinVar variation 970237 (VCV000970237.9), dbSNP rs780318358, ClinGen allele CA10197041.

ClinVar aggregate classification (germline): Uncertain significance (1 of 4 stars; one submission).

Conditions:
Familial focal epilepsy with variable foci (FPEVF). Identifiers: Orphanet 98820, MedGen C1858477, MONDO:0020310.

Allele frequency attached by ClinVar (database versions not stated): TOPMed below 0.00001; gnomAD 0.00001; gnomAD exomes 0.00001; ExAC 0.00002.
gnomAD v4.1: 8 of 1,608,930 alleles (0.0005%); highest among the groups gnomAD compares: East Asian, 0.0022%; no homozygotes.

Submission:

Labcorp Genetics (formerly Invitae), Labcorp
Classification: Uncertain significance for Familial focal epilepsy with variable foci. Last evaluated: 2024-06-15. Review status: criteria provided, single submitter. Criteria: Invitae Variant Classification Sherloc (09022015). Collection method: clinical testing. Allele origin: germline.
Comment: This sequence change replaces proline, which is neutral and non-polar, with leucine, which is neutral and non-polar, at codon 1202 of the DEPDC5 protein (p.Pro1202Leu). The frequency data for this variant in the population databases is considered unreliable, as metrics indicate poor data quality at this position in the gnomAD database. This variant has not been reported in the literature in individuals affected with DEPDC5-related conditions. ClinVar contains an entry for this variant (Variation ID: 970237). Experimental studies and prediction algorithms are not available or were not evaluated, and the functional significance of this variant is currently unknown. In summary, the available evidence is currently insufficient to determine the role of this variant in disease. Therefore, it has been classified as a Variant of Uncertain Significance.